The following is an entry in ClinVar:

ClinVar aggregate classification (germline): Uncertain significance (1 of 4 stars; one submission).

Conditions:
Duchenne muscular dystrophy (DMD). Also called: MUSCULAR DYSTROPHY, PSEUDOHYPERTROPHIC PROGRESSIVE, DUCHENNE TYPE; Duchenne Muscular Dystrophy (DMD). Identifiers: Orphanet 98896, MedGen C0013264, MONDO:0010679, OMIM 310200.

Allele frequency attached by ClinVar (database versions not stated): TOPMed below 0.00001; ExAC 0.00001; gnomAD 0.00001; gnomAD exomes 0.00001; ESP Exome Variant Server 0.00009.
gnomAD v4.1: 1 of 1,209,550 alleles (0.000083%); highest among the groups gnomAD compares: Non-Finnish European, 0.00011%; no homozygotes.

Submission:

Labcorp Genetics (formerly Invitae), Labcorp
Classification: Uncertain significance for Duchenne muscular dystrophy. Last evaluated: 2021-08-26. Review status: criteria provided, single submitter. Criteria: Invitae Variant Classification Sherloc (09022015). Collection method: clinical testing. Allele origin: germline.
Comment: This sequence change replaces glutamic acid with lysine at codon 1494 of the DMD protein (p.Glu1494Lys). The glutamic acid residue is highly conserved and there is a small physicochemical difference between glutamic acid and lysine. This variant is present in population databases (rs369118010, ExAC 0.002%). This variant has not been reported in the literature in individuals affected with DMD-related conditions. Algorithms developed to predict the effect of missense changes on protein structure and function are either unavailable or do not agree on the potential impact of this missense change (SIFT: "Tolerated"; PolyPhen-2: "Possibly Damaging"; Align-GVGD: "Class C0"). In summary, the available evidence is currently insufficient to determine the role of this variant in disease. Therefore, it has been classified as a Variant of Uncertain Significance.

NM_004006.3(DMD):c.4480G>A (p.Glu1494Lys)

Gene: DMD (dystrophin; minus strand). Cytogenetic location: Xp21.1.
Variant type: single nucleotide variant.
Coding change: c.4480G>A on transcript NM_004006.3 (MANE Select); coding-DNA position 4480, G replaced by A.
Protein change: p.Glu1494Lys; replaces glutamic acid 1494 with lysine.
Molecular consequence: missense variant.
Genome position (GRCh38, 1-based): chrX:32,389,539, C>T on the plus strand (G>A on the coding strand, the complement: DMD is on the minus strand). VCF-style: chrX-32389539-C-T. GRCh37 (hg19) VCF-style: chrX-32407656-C-T.
Other names: c.4456G>A, p.Glu1486Lys (NM_000109.4); c.4468G>A, p.Glu1490Lys (NM_004009.3); c.4111G>A, p.Glu1371Lys (NM_004010.3); c.457G>A, p.Glu153Lys (NM_004011.4); c.448G>A, p.Glu150Lys (NM_004012.4); short protein forms E1371K, E1490K, E1486K, E1494K, E150K, E153K.
Identifiers: ClinVar variation 1345969 (VCV001345969.5), dbSNP rs369118010, ClinGen allele CA10378947.
Genomic context (GRCh38, chrX:32,389,539, plus strand): 5'-ATTTGCCACCAGAAATACATACCACACAATGATTTAGCTGTGACTGTACTACTTCCTGTT[C>T]CACACTCTTTGTTTCCAATGCAGGCAAGTGCATCTTCACTTCATCTAAAATCATCTTACT-3'
Protein context (NP_003997.2, residues 1484-1504): HLPALETKSV[Glu1494Lys]QEVVQSQLNH